The following is an entry in ClinVar:

NM_015338.6(ASXL1):c.3247G>C (p.Ala1083Pro)

Gene: ASXL1 (ASXL transcriptional regulator 1; plus strand). Cytogenetic location: 20q11.21.
Variant type: single nucleotide variant.
Coding change: c.3247G>C on transcript NM_015338.6 (MANE Select); coding-DNA position 3247, G replaced by C.
Protein change: p.Ala1083Pro; replaces alanine 1083 with proline.
Molecular consequence: missense variant.
Genome position (GRCh38, 1-based): chr20:32,435,959, G>C. VCF-style: chr20-32435959-G-C. GRCh37 (hg19) VCF-style: chr20-31023762-G-C.
Other names: c.3064G>C, p.Ala1022Pro (NM_001363734.1); short protein forms A1083P, A1022P.
Identifiers: ClinVar variation 4159638 (VCV004159638.1).
Genomic context (GRCh38, chr20:32,435,959, plus strand): 5'-CAGAGCTGGGTGTCTCGAGTATGTGCGGTCCGCCAAAAGATCCCAGATTCCCTACTGCTG[G>C]CCAGTACTGAGTACCAGCCAAGAGCCGTGTGCCTGTCCATGCCTGGGTCCTCAGTGGAGG-3'
Protein context (NP_056153.2, residues 1073-1093): RQKIPDSLLL[Ala1083Pro]STEYQPRAVC

ClinVar aggregate classification (germline): Uncertain significance (1 of 4 stars; one submission).

Conditions:
Inborn genetic diseases. Identifiers: MedGen C0950123, MeSH D030342.

Submission:

Ambry Genetics
Classification: Uncertain significance for Inborn genetic diseases. Last evaluated: 2025-09-12. Review status: criteria provided, single submitter. Criteria: Ambry Variant Classification Scheme 2023. Collection method: clinical testing. Allele origin: germline.
Comment: The p.A1083P variant (also known as c.3247G>C), located in coding exon 13 of the ASXL1 gene, results from a G to C substitution at nucleotide position 3247. The alanine at codon 1083 is replaced by proline, an amino acid with highly similar properties. This amino acid position is conserved. In addition, this alteration is predicted to be tolerated by in silico analysis. Based on the available evidence, the clinical significance of this variant remains unclear.